The following is an entry in ClinVar:

NM_004172.5(SLC1A3):c.70A>G (p.Lys24Glu)

Gene: SLC1A3 (solute carrier family 1 member 3; plus strand). Cytogenetic location: 5p13.2.
Variant type: single nucleotide variant.
Coding change: c.70A>G on transcript NM_004172.5 (MANE Select); coding-DNA position 70, A replaced by G.
Protein change: p.Lys24Glu; replaces lysine 24 with glutamic acid.
Molecular consequence: missense variant.
Genome position (GRCh38, 1-based): chr5:36,608,493, A>G. VCF-style: chr5-36608493-A-G. GRCh37 (hg19) VCF-style: chr5-36608595-A-G.
Other names: c.70A>G, p.Lys24Glu (NM_001166695.3, NM_001166696.3, NM_001289939.2 and 1 more transcripts); short protein forms K24E.
Identifiers: ClinVar variation 2559461 (VCV002559461.3), dbSNP rs2477871375, ClinGen allele CA359485548.
Genomic context (GRCh38, chr5:36,608,493, plus strand): 5'-AGCAATGGAGAAGAGCCCAAGATGGGGGGCAGGATGGAGAGATTCCAGCAGGGAGTCCGT[A>G]AACGCACACTTTTGGCCAAGAAGAAAGTGCAGAACATTACAAAGGAGGATGTTAAAAGTT-3'
Protein context (NP_004163.3, residues 14-34): RMERFQQGVR[Lys24Glu]RTLLAKKKVQ

ClinVar aggregate classification (germline): Uncertain significance. Review status: criteria provided, multiple submitters, no conflicts (2 of 4 stars). 2 submissions from 2 submitters: Uncertain significance (2). Last evaluated 2024-11-30.

Conditions:
SLC1A3-related disorder. Also called: SLC1A3-related condition.
Inborn genetic diseases. Identifiers: MedGen C0950123, MeSH D030342.

Allele frequency attached by ClinVar (database versions not stated): gnomAD exomes 0.00001.
gnomAD v4.1: 3 of 1,614,062 alleles (0.00019%); highest among the groups gnomAD compares: Non-Finnish European, 0.00025%; no homozygotes.

Submissions (2):

PreventionGenetics, part of Exact Sciences
Classification: Uncertain significance for SLC1A3-related condition. Last evaluated: 2024-11-30. Review status: criteria provided, single submitter. Criteria: ACMG Guidelines, 2015. Collection method: clinical testing. Allele origin: germline.
Comment: The SLC1A3 c.70A>G variant is predicted to result in the amino acid substitution p.Lys24Glu. To our knowledge, this variant has not been reported in the literature or in a large population database (gnomAD), indicating this variant is rare. At this time, the clinical significance of this variant is uncertain due to the absence of conclusive functional and genetic evidence.

Ambry Genetics
Classification: Uncertain significance for Inborn genetic diseases. Last evaluated: 2023-06-12. Review status: criteria provided, single submitter. Criteria: Ambry Variant Classification Scheme 2023. Collection method: clinical testing. Allele origin: germline.